The following is an entry in ClinVar:

NM_001042492.3(NF1):c.4561_4568del (p.Tyr1521fs)

Gene: NF1 (neurofibromin 1; plus strand). Cytogenetic location: 17q11.2.
Variant type: Deletion.
Coding change: c.4561_4568del on transcript NM_001042492.3 (MANE Select); coding-DNA positions 4561 to 4568, 8 bases deleted (TATCTTTC; older notation c.4561_4568delTATCTTTC).
Protein change: p.Tyr1521fs; shifts the reading frame from tyrosine 1521.
Molecular consequence: frameshift variant.
Genome position (GRCh38, 1-based): chr17:31,260,499-31,260,506, TATCTTTC deleted. VCF-style (leftmost placement, unchanged base first): chr17-31260498-GTATCTTTC-G. GRCh37 (hg19) VCF-style: chr17-29587516-GTATCTTTC-G.
Other names: c.4498_4505delTATCTTTC, p.Tyr1500Glnfs (NM_000267.3); c.4498_4505del, p.Tyr1500fs (NM_000267.4); short protein forms Y1500fs, Y1521fs.
Identifiers: ClinVar variation 4282346 (VCV004282346.1).

ClinVar aggregate classification (germline): Pathogenic (1 of 4 stars; one submission).

Submission:

GeneDx
Classification: Pathogenic. Last evaluated: 2025-04-18. Review status: criteria provided, single submitter. Criteria: GeneDx Variant Classification Process June 2021. Collection method: clinical testing. Allele origin: germline. Affected: yes.
Comment: Frameshift variant predicted to result in protein truncation or nonsense mediated decay in a gene for which loss of function is a known mechanism of disease; Not observed at significant frequency in large population cohorts (gnomAD); This variant is associated with the following publications: (PMID: 24789688)